The following is an entry in ClinVar:

NM_003737.4(DCHS1):c.4834C>G (p.Arg1612Gly)

Gene: DCHS1 (dachsous cadherin-related 1; minus strand). Cytogenetic location: 11p15.4.
Variant type: single nucleotide variant.
Coding change: c.4834C>G on transcript NM_003737.4 (MANE Select); coding-DNA position 4834, C replaced by G.
Protein change: p.Arg1612Gly; replaces arginine 1612 with glycine.
Molecular consequence: missense variant.
Genome position (GRCh38, 1-based): chr11:6,629,873, G>C on the plus strand (C>G on the coding strand, the complement: DCHS1 is on the minus strand). VCF-style: chr11-6629873-G-C. GRCh37 (hg19) VCF-style: chr11-6651104-G-C.
Other names: short protein forms R1612G.
Identifiers: ClinVar variation 3615509 (VCV003615509.2).
Genomic context (GRCh38, chr11:6,629,873, plus strand): 5'-TGGCCGAGCGCGGCGGGGAGCCGTGGTCTGAGGCCACCACTGTCAGTACGTGCTCAGCTC[G>C]TTGTTCGCGGTCCAACGGCCGCACCACGGACAGCGCTCCTAGGTGAGCGGTAAGGCAGGT-3'
Protein context (NP_003728.1, residues 1602-1622): SVVRPLDREQ[Arg1612Gly]AEHVLTVVAS

ClinVar aggregate classification (germline): Uncertain significance (1 of 4 stars; one submission).

gnomAD v4.1: 5 of 1,612,832 alleles (0.00031%); highest among the groups gnomAD compares: Admixed American, 0.005%; no homozygotes.

Submission:

Labcorp Genetics (formerly Invitae), Labcorp
Classification: Uncertain significance. Last evaluated: 2025-04-20. Review status: criteria provided, single submitter. Criteria: Invitae Variant Classification Sherloc (09022015). Collection method: clinical testing. Allele origin: germline.
Comment: This sequence change replaces arginine, which is basic and polar, with glycine, which is neutral and non-polar, at codon 1612 of the DCHS1 protein (p.Arg1612Gly). This variant is present in population databases (rs747663746, gnomAD 0.007%). This variant has not been reported in the literature in individuals affected with DCHS1-related conditions. ClinVar contains an entry for this variant (Variation ID: 3615509). Invitae Evidence Modeling of protein sequence and biophysical properties (such as structural, functional, and spatial information, amino acid conservation, physicochemical variation, residue mobility, and thermodynamic stability) indicates that this missense variant is not expected to disrupt DCHS1 protein function with a negative predictive value of 80%. In summary, the available evidence is currently insufficient to determine the role of this variant in disease. Therefore, it has been classified as a Variant of Uncertain Significance.